The following is an entry in ClinVar:

ClinVar aggregate classification (germline): Uncertain significance. Review status: criteria provided, multiple submitters, no conflicts (2 of 4 stars). 2 submissions from 2 submitters: Uncertain significance (2). Last evaluated 2025-02-13.

Conditions:
Epileptic encephalopathy. Identifiers: MedGen C0543888, HP:0200134.

Allele frequency attached by ClinVar (database versions not stated): gnomAD 0.00001 and 0.00002; TOPMed 0.00003; ExAC 0.00007.
gnomAD v4.1: 40 of 1,608,982 alleles (0.0025%); highest among the groups gnomAD compares: Admixed American, 0.0084%; no homozygotes.

Submissions (2):

Ambry Genetics
Classification: Uncertain significance. Last evaluated: 2025-02-13. Review status: criteria provided, single submitter. Criteria: Ambry Variant Classification Scheme 2023. Collection method: clinical testing. Allele origin: germline.

Labcorp Genetics (formerly Invitae), Labcorp
Classification: Uncertain significance for Epileptic encephalopathy. Last evaluated: 2022-07-12. Review status: criteria provided, single submitter. Criteria: Invitae Variant Classification Sherloc (09022015). Collection method: clinical testing. Allele origin: germline.
Comment: This sequence change replaces alanine, which is neutral and non-polar, with threonine, which is neutral and polar, at codon 1570 of the RYR3 protein (p.Ala1570Thr). This variant is present in population databases (rs774393965, gnomAD 0.005%). This variant has not been reported in the literature in individuals affected with RYR3-related conditions. ClinVar contains an entry for this variant (Variation ID: 933730). Algorithms developed to predict the effect of missense changes on protein structure and function (SIFT, PolyPhen-2, Align-GVGD) all suggest that this variant is likely to be disruptive. In summary, the available evidence is currently insufficient to determine the role of this variant in disease. Therefore, it has been classified as a Variant of Uncertain Significance.

NM_001036.6(RYR3):c.4708G>A (p.Ala1570Thr)

Gene: RYR3 (ryanodine receptor 3; plus strand). Cytogenetic location: 15q14.
Variant type: single nucleotide variant.
Coding change: c.4708G>A on transcript NM_001036.6 (MANE Select); coding-DNA position 4708, G replaced by A.
Protein change: p.Ala1570Thr; replaces alanine 1570 with threonine.
Molecular consequence: missense variant.
Genome position (GRCh38, 1-based): chr15:33,662,238, G>A. VCF-style: chr15-33662238-G-A. GRCh37 (hg19) VCF-style: chr15-33954439-G-A.
Other names: c.4708G>A (NM_001036.3); c.4708G>A, p.Ala1570Thr (NM_001243996.4); short protein forms A1570T.
Identifiers: ClinVar variation 933730 (VCV000933730.10), dbSNP rs774393965, ClinGen allele CA7459097.